The following is an entry in ClinVar:

ClinVar aggregate classification (germline): Uncertain significance. Review status: criteria provided, multiple submitters, no conflicts (2 of 4 stars). 2 submissions from 2 submitters: Uncertain significance (2). Last evaluated 2025-08-12.

Allele frequency attached by ClinVar (database versions not stated): gnomAD 0.00002; TOPMed 0.00003; ExAC 0.00004; gnomAD exomes 0.00004.
gnomAD v4.1: 59 of 1,613,486 alleles (0.0037%); highest among the groups gnomAD compares: Admixed American, 0.005%; no homozygotes.

Submissions (2):

GeneDx
Classification: Uncertain significance. Last evaluated: 2025-08-12. Review status: criteria provided, single submitter. Criteria: GeneDx Variant Classification Process June 2021. Collection method: clinical testing. Allele origin: germline. Affected: yes.
Comment: In silico analysis supports that this missense variant has a deleterious effect on protein structure/function; Has not been previously published as pathogenic or benign to our knowledge

Labcorp Genetics (formerly Invitae), Labcorp
Classification: Uncertain significance. Last evaluated: 2024-04-15. Review status: criteria provided, single submitter. Criteria: Invitae Variant Classification Sherloc (09022015). Collection method: clinical testing. Allele origin: germline.
Comment: This sequence change replaces glutamic acid, which is acidic and polar, with lysine, which is basic and polar, at codon 1178 of the LRP5 protein (p.Glu1178Lys). This variant is present in population databases (rs756379371, gnomAD 0.005%). This variant has not been reported in the literature in individuals affected with LRP5-related conditions. ClinVar contains an entry for this variant (Variation ID: 1979133). Advanced modeling of protein sequence and biophysical properties (such as structural, functional, and spatial information, amino acid conservation, physicochemical variation, residue mobility, and thermodynamic stability) performed at Invitae indicates that this missense variant is not expected to disrupt LRP5 protein function with a negative predictive value of 95%. In summary, the available evidence is currently insufficient to determine the role of this variant in disease. Therefore, it has been classified as a Variant of Uncertain Significance.

NM_002335.4(LRP5):c.3532G>A (p.Glu1178Lys)

Gene: LRP5 (LDL receptor related protein 5; plus strand). Cytogenetic location: 11q13.2.
Variant type: single nucleotide variant.
Coding change: c.3532G>A on transcript NM_002335.4 (MANE Select); coding-DNA position 3532, G replaced by A.
Protein change: p.Glu1178Lys; replaces glutamic acid 1178 with lysine.
Molecular consequence: missense variant.
Genome position (GRCh38, 1-based): chr11:68,426,082, G>A. VCF-style: chr11-68426082-G-A. GRCh37 (hg19) VCF-style: chr11-68193550-G-A.
Other names: c.1789G>A, p.Glu597Lys (NM_001291902.2); c.3532G>A (NM_002335.2); short protein forms E1178K, E597K.
Identifiers: ClinVar variation 1979133 (VCV001979133.5), dbSNP rs756379371, ClinGen allele CA6150020.